The following is an entry in ClinVar:

ClinVar aggregate classification (germline): Uncertain significance (1 of 4 stars; one submission).

Conditions:
Inborn genetic diseases. Identifiers: MedGen C0950123, MeSH D030342.

gnomAD v4.1: 2 of 1,614,176 alleles (0.00012%); highest among the groups gnomAD compares: Non-Finnish European, 0.00017%; no homozygotes.

Submission:

Ambry Genetics
Classification: Uncertain significance for Inborn genetic diseases. Last evaluated: 2025-06-06. Review status: criteria provided, single submitter. Criteria: Ambry Variant Classification Scheme 2023. Collection method: clinical testing. Allele origin: germline.
Comment: The p.S131L variant (also known as c.392C>T), located in coding exon 4 of the ETV6 gene, results from a C to T substitution at nucleotide position 392. The serine at codon 131 is replaced by leucine, an amino acid with dissimilar properties. This amino acid position is conserved. In addition, the in silico prediction for this alteration is inconclusive. Based on the available evidence, the clinical significance of this variant remains unclear.

NM_001987.5(ETV6):c.392C>T (p.Ser131Leu)

Gene: ETV6 (ETS variant transcription factor 6; plus strand). Cytogenetic location: 12p13.2.
Variant type: single nucleotide variant.
Coding change: c.392C>T on transcript NM_001987.5 (MANE Select); coding-DNA position 392, C replaced by T.
Protein change: p.Ser131Leu; replaces serine 131 with leucine.
Molecular consequence: missense variant.
Genome position (GRCh38, 1-based): chr12:11,853,490, C>T. VCF-style: chr12-11853490-C-T. GRCh37 (hg19) VCF-style: chr12-12006424-C-T.
Other names: c.389C>T, p.Ser130Leu (NM_001413913.1); c.365C>T, p.Ser122Leu (NM_001413914.1); c.128C>T, p.Ser43Leu (NM_001413915.1); c.392C>T, p.Ser131Leu (NM_001413916.1, NM_001413917.1); short protein forms S122L, S43L, S130L, S131L.
Identifiers: ClinVar variation 4020123 (VCV004020123.1).